The following is an entry in ClinVar:

NM_001843.4(CNTN1):c.2273_2274del (p.Thr758fs)

Gene: CNTN1 (contactin 1; plus strand). Cytogenetic location: 12q12.
Variant type: Microsatellite.
Coding change: c.2273_2274del on transcript NM_001843.4 (MANE Select); coding-DNA positions 2273 to 2274, 2 bases deleted (CA; older notation c.2273_2274delCA).
Protein change: p.Thr758fs; shifts the reading frame from threonine 758.
Molecular consequence: frameshift variant.
Genome position (GRCh38, 1-based): chr12:41,016,770-41,016,771, CA deleted; deleting any 2 consecutive bases within chr12:41,016,768-41,016,771 gives the same sequence; the c. name uses the placement nearest the transcript's 3' end. VCF-style (leftmost placement, unchanged base first): chr12-41016767-TCA-T. GRCh37 (hg19) VCF-style: chr12-41410569-TCA-T.
Other names: c.2240_2241del, p.Thr747fs (NM_175038.2); short protein forms T758fs, T747fs.
Identifiers: ClinVar variation 2071790 (VCV002071790.1), dbSNP rs2499717946, ClinGen allele CA2580615162.

ClinVar aggregate classification (germline): Pathogenic (1 of 4 stars; one submission).

Conditions:
Compton-North congenital myopathy (CMYO12). Identifiers: Orphanet 210163, MedGen C2675527, MONDO:0012929, OMIM 612540.

Submission:

Labcorp Genetics (formerly Invitae), Labcorp
Classification: Pathogenic for Compton-North congenital myopathy. Last evaluated: 2022-06-28. Review status: criteria provided, single submitter. Criteria: Invitae Variant Classification Sherloc (09022015). Collection method: clinical testing. Allele origin: germline.
Comment: This sequence change creates a premature translational stop signal (p.Thr758Serfs*3) in the CNTN1 gene. It is expected to result in an absent or disrupted protein product. Loss-of-function variants in CNTN1 are known to be pathogenic (PMID: 19026398, 22242131). This variant is not present in population databases (gnomAD no frequency). This variant has not been reported in the literature in individuals affected with CNTN1-related conditions. For these reasons, this variant has been classified as Pathogenic.

Literature cited by the submitters: PubMed 19026398; PubMed 22242131.